The following is an entry in ClinVar:

ClinVar aggregate classification (germline): Uncertain significance (1 of 4 stars; one submission).

Allele frequency attached by ClinVar (database versions not stated): gnomAD exomes below 0.00001.
gnomAD v4.1: 2 of 1,591,034 alleles (0.00013%); highest among the groups gnomAD compares: South Asian, 0.0022%; no homozygotes.

Submission:

Labcorp Genetics (formerly Invitae), Labcorp
Classification: Uncertain significance. Last evaluated: 2022-02-28. Review status: criteria provided, single submitter. Criteria: Invitae Variant Classification Sherloc (09022015). Collection method: clinical testing. Allele origin: germline.
Comment: This sequence change replaces proline, which is neutral and non-polar, with serine, which is neutral and polar, at codon 489 of the PCLO protein (p.Pro489Ser). This variant is not present in population databases (gnomAD no frequency). This variant has not been reported in the literature in individuals affected with PCLO-related conditions. Algorithms developed to predict the effect of missense changes on protein structure and function are either unavailable or do not agree on the potential impact of this missense change (SIFT: "Tolerated"; PolyPhen-2: "Possibly Damaging"; Align-GVGD: "Class C0"). In summary, the available evidence is currently insufficient to determine the role of this variant in disease. Therefore, it has been classified as a Variant of Uncertain Significance.

NM_033026.6(PCLO):c.1465C>T (p.Pro489Ser)

Gene: PCLO (piccolo presynaptic cytomatrix protein; minus strand). Cytogenetic location: 7q21.11.
Variant type: single nucleotide variant.
Coding change: c.1465C>T on transcript NM_033026.6 (MANE Select); coding-DNA position 1465, C replaced by T.
Protein change: p.Pro489Ser; replaces proline 489 with serine.
Molecular consequence: missense variant.
Genome position (GRCh38, 1-based): chr7:83,155,176, G>A on the plus strand (C>T on the coding strand, the complement: PCLO is on the minus strand). VCF-style: chr7-83155176-G-A. GRCh37 (hg19) VCF-style: chr7-82784492-G-A.
Other names: c.1465C>T, p.Pro489Ser (NM_014510.3); short protein forms P489S.
Identifiers: ClinVar variation 2104706 (VCV002104706.3), dbSNP rs2484899960, ClinGen allele CA367914152.